The following is an entry in ClinVar:

ClinVar aggregate classification (germline): Uncertain significance (1 of 4 stars; one submission).

Conditions:
Malignant hyperthermia, susceptibility to, 1 (MHS1). Also called: Anesthesia related hyperthermia; Malignant hyperpyrexia; Fulminating hyperpyrexia; Pharmacogenic myopathy; RYR1-Related Malignant Hyperthermia Susceptibility; Malignant hyperthermia suceptibility 1. Identifiers: Orphanet 423, MedGen C2930980, MONDO:0007783, OMIM 145600.

Submission:

All of Us Research Program, National Institutes of Health
Classification: Uncertain significance for Malignant hyperthermia, susceptibility to, 1. Last evaluated: 2023-10-02. Review status: criteria provided, single submitter. Criteria: ACMG Guidelines, 2015. Collection method: clinical testing. Allele origin: germline. Inheritance: Autosomal dominant inheritance. Observed: 1 variant allele, 1 heterozygote.
Comment: This missense variant replaces proline with leucine at codon 1266 of the RYR1 protein. Computational prediction is inconclusive regarding the impact of this variant on protein structure and function (internally defined REVEL score threshold 0.5 < inconclusive < 0.7, PMID: 27666373). To our knowledge, functional studies have not been reported for this variant. This variant has not been reported in individuals affected with RYR1-related disorders in the literature. This variant has not been identified in the general population by the Genome Aggregation Database (gnomAD). The available evidence is insufficient to determine the role of this variant in disease conclusively. Therefore, this variant is classified as a Variant of Uncertain Significance.

This study involves interpretation of variants in research participants for the purpose of population health screening. Participant phenotype was not available at the time of variant classification. Additional details can be found in publication PMID: 35346344, PMCID: PMC8962531

NM_000540.3(RYR1):c.3797C>T (p.Pro1266Leu)

Gene: RYR1 (ryanodine receptor 1; plus strand). Cytogenetic location: 19q13.2.
Variant type: single nucleotide variant.
Coding change: c.3797C>T on transcript NM_000540.3 (MANE Select); coding-DNA position 3797, C replaced by T.
Protein change: p.Pro1266Leu; replaces proline 1266 with leucine.
Molecular consequence: missense variant.
Genome position (GRCh38, 1-based): chr19:38,473,408, C>T. VCF-style: chr19-38473408-C-T. GRCh37 (hg19) VCF-style: chr19-38964048-C-T.
Other names: c.3797C>T, p.Pro1266Leu (NM_001042723.2); short protein forms P1266L.
Identifiers: ClinVar variation 3073554 (VCV003073554.1), dbSNP rs2514144360, ClinGen allele CA405641463.
Genomic context (GRCh38, chr19:38,473,408, plus strand): 5'-GCCCAGTACTCCATTCCCTGCCACCTCAGGTATCCCGAGTGGACGGCACTGTGGACACGC[C>T]CCCCTGCCTGCGCCTGACCCACCGCACCTGGGGCTCCCAGAACAGCCTGGTGGAGATGCT-3'
Protein context (NP_000531.2, residues 1256-1276): VSRVDGTVDT[Pro1266Leu]PCLRLTHRTW